The following is an entry in ClinVar:

ClinVar aggregate classification (germline): Uncertain significance (1 of 4 stars; one submission).

Conditions:
Phenylketonuria (PKU). Also called: Phenylketonuria (PKU); OLIGOPHRENIA PHENYLPYRUVICA; FOLLING DISEASE; Phenylketonurias. Identifiers: Orphanet 716, MedGen C0031485, MONDO:0009861, OMIM 261600. Disease mechanism: loss of function.

Allele frequency attached by ClinVar (database versions not stated): gnomAD exomes below 0.00001; TOPMed below 0.00001; gnomAD 0.00001; ExAC 0.00002.
gnomAD v4.1: 3 of 1,614,060 alleles (0.00019%); highest among the groups gnomAD compares: Admixed American, 0.005%; no homozygotes.

Submission:

Labcorp Genetics (formerly Invitae), Labcorp
Classification: Uncertain significance for Phenylketonuria. Last evaluated: 2022-08-19. Review status: criteria provided, single submitter. Criteria: Invitae Variant Classification Sherloc (09022015). Collection method: clinical testing. Allele origin: germline.
Comment: This sequence change replaces asparagine, which is neutral and polar, with aspartic acid, which is acidic and polar, at codon 8 of the PAH protein (p.Asn8Asp). This variant is present in population databases (rs763623193, gnomAD 0.006%). This variant has not been reported in the literature in individuals affected with PAH-related conditions. Advanced modeling of protein sequence and biophysical properties (such as structural, functional, and spatial information, amino acid conservation, physicochemical variation, residue mobility, and thermodynamic stability) performed at Invitae indicates that this missense variant is not expected to disrupt PAH protein function. In summary, the available evidence is currently insufficient to determine the role of this variant in disease. Therefore, it has been classified as a Variant of Uncertain Significance.

NM_000277.3(PAH):c.22A>G (p.Asn8Asp)

Gene: PAH (phenylalanine hydroxylase; minus strand). Cytogenetic location: 12q23.2.
Variant type: single nucleotide variant.
Coding change: c.22A>G on transcript NM_000277.3 (MANE Select); coding-DNA position 22, A replaced by G.
Protein change: p.Asn8Asp; replaces asparagine 8 with aspartic acid.
Molecular consequence: missense variant.
Genome position (GRCh38, 1-based): chr12:102,917,109, T>C on the plus strand (A>G on the coding strand, the complement: PAH is on the minus strand). VCF-style: chr12-102917109-T-C. GRCh37 (hg19) VCF-style: chr12-103310887-T-C.
Other names: c.22A>G, p.Asn8Asp (NM_001354304.2); short protein forms N8D.
Identifiers: ClinVar variation 2167364 (VCV002167364.1), dbSNP rs763623193, ClinGen allele CA6749065.